The following is an entry in ClinVar:

NM_000388.4(CASR):c.1444T>C (p.Cys482Arg)

Gene: CASR (calcium sensing receptor; plus strand). Cytogenetic location: 3q21.1.
Variant type: single nucleotide variant.
Coding change: c.1444T>C on transcript NM_000388.4 (MANE Select); coding-DNA position 1444, T replaced by C.
Protein change: p.Cys482Arg; replaces cysteine 482 with arginine.
Molecular consequence: missense variant.
Genome position (GRCh38, 1-based): chr3:122,275,878, T>C. VCF-style: chr3-122275878-T-C. GRCh37 (hg19) VCF-style: chr3-121994725-T-C.
Other names: c.1444T>C, p.Cys482Arg (NM_001178065.2); short protein forms C482R.
Identifiers: ClinVar variation 1328990 (VCV001328990.4), dbSNP rs774174934, ClinGen allele CA354155052.

ClinVar aggregate classification (germline): Uncertain significance. Review status: criteria provided, multiple submitters, no conflicts (2 of 4 stars). 2 submissions from 2 submitters: Uncertain significance (2). Last evaluated 2025-02-23.

Conditions:
Familial hypocalciuric hypercalcemia (FHH). Also called: Familial benign hypercalcemia. Identifiers: Orphanet 405, MedGen C1809471, MONDO:0018458.
Autosomal dominant hypocalcemia 1 (HYPOC1). Also called: HYPOCALCEMIA, FAMILIAL. Identifiers: MedGen C3715128, MONDO:0011013, OMIM 601198.

Submissions (2):

Labcorp Genetics (formerly Invitae), Labcorp
Classification: Uncertain significance for Familial hypocalciuric hypercalcemia; Autosomal dominant hypocalcemia 1. Last evaluated: 2025-02-23. Review status: criteria provided, single submitter. Criteria: Invitae Variant Classification Sherloc (09022015). Collection method: clinical testing. Allele origin: germline.
Comment: This sequence change replaces cysteine, which is neutral and slightly polar, with arginine, which is basic and polar, at codon 482 of the CASR protein (p.Cys482Arg). This variant is not present in population databases (gnomAD no frequency). This variant has not been reported in the literature in individuals affected with CASR-related conditions. ClinVar contains an entry for this variant (Variation ID: 1328990). An algorithm developed to predict the effect of missense changes on protein structure and function (PolyPhen-2) suggests that this variant is likely to be tolerated. In summary, the available evidence is currently insufficient to determine the role of this variant in disease. Therefore, it has been classified as a Variant of Uncertain Significance.

Women's Health and Genetics/Laboratory Corporation of America, LabCorp
Classification: Uncertain significance. Last evaluated: 2021-11-30. Review status: criteria provided, single submitter. Criteria: LabCorp Variant Classification Summary - May 2015. Collection method: clinical testing. Allele origin: germline.
Comment: Variant summary: CASR c.1444T>C (p.Cys482Arg) results in a non-conservative amino acid change located in the Receptor, ligand binding region domain (IPR001828) of the encoded protein sequence. Three of five in-silico tools predict a benign effect of the variant on protein function. The variant was absent in 251452 control chromosomes (gnomAD). The available data on variant occurrences in the general population are insufficient to allow any conclusion about variant significance. To our knowledge, no occurrence of c.1444T>C in individuals affected with Familial Hypocalciuric Hypercalcemia and no experimental evidence demonstrating its impact on protein function have been reported. No clinical diagnostic laboratories have submitted clinical-significance assessments for this variant to ClinVar after 2014. Based on the evidence outlined above, the variant was classified as uncertain significance.